The following is an entry in ClinVar:

Conditions:
Breast-ovarian cancer, familial, susceptibility to, 1 (BROVCA1). Also called: BRCA1 Hereditary Breast and Ovarian Cancer; OVARIAN CANCER, SUSCEPTIBILITY TO. Identifiers: Orphanet 145, MedGen C2676676, MONDO:0011450, OMIM 604370. Disease mechanism: loss of function.

Allele frequency attached by ClinVar (database versions not stated): gnomAD exomes below 0.00001.
gnomAD v4.1: 1 of 1,600,106 alleles (0.000062%); highest among the groups gnomAD compares: Non-Finnish European, 0.000086%; no homozygotes.

Submission:

Brotman Baty Institute, University of Washington
No classification provided (evidence only). Condition: Breast-ovarian cancer, familial 1. Review status: no classification provided. Collection method: in vitro. Allele origin: not applicable. Functional consequence: functionally_normal.
ClinVar note: "not provided" was previously submitted as the classification for the variant. However, the classification appeared to be based only on an observation of functional data so it was converted to no classification on 2025-07-30.

NM_007294.4(BRCA1):c.5193+12A>T

Gene: BRCA1 (BRCA1 DNA repair associated; minus strand). Cytogenetic location: 17q21.31.
Variant type: single nucleotide variant.
Coding change: c.5193+12A>T on transcript NM_007294.4 (MANE Select); 12 bases into the intron after coding-DNA position 5193, A replaced by T.
Molecular consequence: intron variant.
Genome position (GRCh38, 1-based): chr17:43,063,321, T>A on the plus strand (A>T on the coding strand, the complement: BRCA1 is on the minus strand). VCF-style: chr17-43063321-T-A. GRCh37 (hg19) VCF-style: chr17-41215338-T-A.
Other names: c.1740+12A>T (NM_001408458.1, NM_001408461.1, NM_001408464.1 and 7 more transcripts); c.4302+12A>T (NM_001407967.1); c.4812+12A>T (NM_001407959.1); c.4926+12A>T (NM_001407931.1, NM_001407932.1, NM_001407928.1 and 4 more transcripts); c.5049+12A>T (NM_001407747.1, NM_001407745.1, NM_001407737.1 and 21 more transcripts); c.4809+12A>T (NM_001407962.1, NM_001407960.1); c.1380+12A>T (NM_001408512.1); c.1503+12A>T (NM_001408510.1); and 72 more.
Identifiers: ClinVar variation 868137 (VCV000868137.3), dbSNP rs2051851343, ClinGen allele CA916080019.